The following is an entry in ClinVar:

NM_001267550.2(TTN):c.9749T>G (p.Val3250Gly)

Gene: TTN (titin; minus strand). Cytogenetic location: 2q31.2.
Variant type: single nucleotide variant.
Coding change: c.9749T>G on transcript NM_001267550.2 (MANE Select); coding-DNA position 9749, T replaced by G.
Protein change: p.Val3250Gly; replaces valine 3250 with glycine.
Molecular consequence: missense variant.
Genome position (GRCh38, 1-based): chr2:178,764,766, A>C on the plus strand (T>G on the coding strand, the complement: TTN is on the minus strand). VCF-style: chr2-178764766-A-C. GRCh37 (hg19) VCF-style: chr2-179629493-A-C.
Other names: c.9749T>G, p.Val3250Gly (NM_001256850.1, NM_133378.4, NM_133379.5); c.9611T>G, p.Val3204Gly (NM_003319.4, NM_133432.3, NM_133437.4); short protein forms V3250G, V3204G.
Identifiers: ClinVar variation 47686 (VCV000047686.11), dbSNP rs55634230, ClinGen allele CA141720.

ClinVar aggregate classification (germline): Conflicting classifications of pathogenicity. Review status: criteria provided, conflicting classifications (1 of 4 stars). 5 submissions from 5 submitters: Uncertain significance (2); Likely benign (3). Last evaluated 2025-11-04.

Conditions:
Cardiovascular phenotype. Identifiers: MedGen CN230736.
Dilated cardiomyopathy 1G (CMD1G). Identifiers: Orphanet 154, MedGen C1858763, MONDO:0011400, OMIM 604145.
Autosomal recessive limb-girdle muscular dystrophy type 2J (LGMDR10). Also called: Limb-girdle muscular dystrophy, type 2J; MUSCULAR DYSTROPHY, LIMB-GIRDLE, AUTOSOMAL RECESSIVE 10. Identifiers: Orphanet 140922, MedGen C1837342, MONDO:0012127, OMIM 608807.

Allele frequency attached by ClinVar (database versions not stated): gnomAD exomes 0.00001 and 0.00007; gnomAD 0.00004 and 0.00005; TOPMed 0.00005; ExAC 0.00006; 1000 Genomes Project 0.00040; 1000 Genomes Project 30x 0.00047.
gnomAD v4.1: 35 of 1,613,918 alleles (0.0022%); highest among the groups gnomAD compares: East Asian, 0.045%; 1 homozygote.

Submissions (5):

Women's Health and Genetics/Laboratory Corporation of America, LabCorp
Classification: Likely benign. Last evaluated: 2025-11-04. Review status: criteria provided, single submitter. Criteria: LabCorp Variant Classification Summary - May 2015. Collection method: clinical testing. Allele origin: germline.
Comment: Variant summary: TTN c.9749T>G (p.Val3250Gly) results in a non-conservative amino acid change in the encoded protein sequence. Algorithms developed to predict the effect of missense changes on protein structure and function all suggest that this variant is likely to be disruptive. The variant allele was found at a frequency of 7.2e-05 in 250632 control chromosomes, predominantly at a frequency of 0.00082 within the East Asian subpopulation in the gnomAD database, including 1 homozygotes. The observed variant frequency within East Asian control individuals in the gnomAD database exceeds the estimated maximal expected allele frequency for disease-causing variants in TTN. To our knowledge, no occurrence of c.9749T>G in individuals affected with TTN-related conditions and no experimental evidence demonstrating its impact on protein function have been reported. ClinVar contains an entry for this variant (Variation ID: 47686). Based on the evidence outlined above, the variant was classified as likely benign.

Ambry Genetics
Classification: Likely benign for Cardiovascular phenotype. Last evaluated: 2020-09-21. Review status: criteria provided, single submitter. Criteria: Ambry Variant Classification Scheme 2023. Collection method: clinical testing. Allele origin: germline.

GeneDx
Classification: Likely benign. Last evaluated: 2020-06-23. Review status: criteria provided, single submitter. Criteria: GeneDx Variant Classification Process June 2021. Collection method: clinical testing. Allele origin: germline. Affected: yes.
Comment: This variant is associated with the following publications: (PMID: 28704380)

Labcorp Genetics (formerly Invitae), Labcorp
Classification: Uncertain significance for Dilated cardiomyopathy 1G; Autosomal recessive limb-girdle muscular dystrophy type 2J. Last evaluated: 2017-11-20. Review status: criteria provided, single submitter. Criteria: Invitae Variant Classification Sherloc (09022015). Collection method: clinical testing. Allele origin: germline.

Laboratory for Molecular Medicine, Mass General Brigham Personalized Medicine
Classification: Uncertain significance. Last evaluated: 2012-11-21. Review status: criteria provided, single submitter. Criteria: LMM Criteria. Collection method: clinical testing. Allele origin: germline. Observed: 1 variant allele.
Comment: The Val3250Gly variant in TTN has not been reported in the literature nor previo usly identified by our laboratory. This variant is listed in dbSNP (rs55634230) without frequency information. Computational analyses (biochemical amino acid pr operties, conservation, AlignGVGD, PolyPhen2, and SIFT) suggest that the Val3250 Gly variant may impact the protein, though this information is not predictive en ough to determine pathogenicity. Additional information is needed to fully asses s the clinical significance of the Val3250Gly variant.